The following is an entry in ClinVar:

ClinVar aggregate classification (germline): Uncertain significance. Review status: criteria provided, multiple submitters, no conflicts (2 of 4 stars). 3 submissions from 3 submitters: Uncertain significance (3). Last evaluated 2025-04-13.

Conditions:
Cardiovascular phenotype. Identifiers: MedGen CN230736.
Long QT syndrome (LQTS). Identifiers: MedGen C0023976, MeSH D008133, MONDO:0002442. Disease mechanism: loss of function. Inheritance: Various modes of inheritance.

Allele frequency attached by ClinVar (database versions not stated): gnomAD exomes below 0.00001.
gnomAD v4.1: 4 of 1,613,710 alleles (0.00025%); highest among the groups gnomAD compares: African/African-American, 0.0053%; no homozygotes.

Submissions (3):

Ambry Genetics
Classification: Uncertain significance for Cardiovascular phenotype. Last evaluated: 2025-04-13. Review status: criteria provided, single submitter. Criteria: Ambry Variant Classification Scheme 2023. Collection method: clinical testing. Allele origin: germline.
Comment: The p.S948N variant (also known as c.2843G>A), located in coding exon 26 of the ANK2 gene, results from a G to A substitution at nucleotide position 2843. The serine at codon 948 is replaced by asparagine, an amino acid with highly similar properties. This amino acid position is highly conserved in available vertebrate species. In addition, the in silico prediction for this alteration is inconclusive. Since supporting evidence is limited at this time, the clinical significance of this alteration remains unclear.

Labcorp Genetics (formerly Invitae), Labcorp
Classification: Uncertain significance for Long QT syndrome. Last evaluated: 2023-03-03. Review status: criteria provided, single submitter. Criteria: Invitae Variant Classification Sherloc (09022015). Collection method: clinical testing. Allele origin: germline.
Comment: This sequence change replaces serine, which is neutral and polar, with asparagine, which is neutral and polar, at codon 948 of the ANK2 protein (p.Ser948Asn). This variant is not present in population databases (gnomAD no frequency). This variant has not been reported in the literature in individuals affected with ANK2-related conditions. ClinVar contains an entry for this variant (Variation ID: 1796743). In summary, the available evidence is currently insufficient to determine the role of this variant in disease. Therefore, it has been classified as a Variant of Uncertain Significance. Advanced modeling of protein sequence and biophysical properties (such as structural, functional, and spatial information, amino acid conservation, physicochemical variation, residue mobility, and thermodynamic stability) performed at Invitae indicates that this missense variant is not expected to disrupt ANK2 protein function.

GeneDx
Classification: Uncertain significance. Last evaluated: 2022-07-14. Review status: criteria provided, single submitter. Criteria: GeneDx Variant Classification Process June 2021. Collection method: clinical testing. Allele origin: germline. Affected: yes.
Comment: Not observed at significant frequency in large population cohorts (gnomAD); In silico analysis supports that this missense variant has a deleterious effect on protein structure/function; Has not been previously published as pathogenic or benign to our knowledge

NM_001148.6(ANK2):c.2843G>A (p.Ser948Asn)

Gene: ANK2 (ankyrin 2; plus strand). Cytogenetic location: 4q26.
Variant type: single nucleotide variant.
Coding change: c.2843G>A on transcript NM_001148.6 (MANE Select); coding-DNA position 2843, G replaced by A.
Protein change: p.Ser948Asn; replaces serine 948 with asparagine.
Molecular consequence: missense variant.
Genome position (GRCh38, 1-based): chr4:113,318,563, G>A. VCF-style: chr4-113318563-G-A. GRCh37 (hg19) VCF-style: chr4-114239719-G-A.
Other names: c.2780G>A, p.Ser927Asn (NM_001127493.3, NM_001354243.2, NM_001354255.2 and 3 more transcripts); c.2855G>A, p.Ser952Asn (NM_001354225.2); c.2843G>A, p.Ser948Asn (NM_001354228.2, NM_001354232.2, NM_020977.5 and 1 more transcripts); c.2885G>A, p.Ser962Asn (NM_001354230.2, NM_001354231.2, NM_001354237.2 and 1 more transcripts); c.2840G>A, p.Ser947Asn (NM_001354235.2, NM_001354236.2, NM_001354246.2 and 1 more transcripts); c.2777G>A, p.Ser926Asn (NM_001354239.2, NM_001354244.2, NM_001354252.2 and 3 more transcripts); c.2888G>A, p.Ser963Asn (NM_001354240.2, NM_001354241.2, NM_001386144.1); c.2744G>A, p.Ser915Asn (NM_001354245.2, NM_001354268.2); and 17 more; short protein forms S157N, S853N, S931N, S947N, S877N, S881N, S894N, S914N.
Identifiers: ClinVar variation 1796743 (VCV001796743.7), dbSNP rs971456056, ClinGen allele CA103815851.